The following is an entry in ClinVar:

NM_194248.3(OTOF):c.2465G>A (p.Arg822Gln)

Gene: OTOF (otoferlin; minus strand). Cytogenetic location: 2p23.3.
Variant type: single nucleotide variant.
Coding change: c.2465G>A on transcript NM_194248.3 (MANE Select); coding-DNA position 2465, G replaced by A.
Protein change: p.Arg822Gln; replaces arginine 822 with glutamine.
Molecular consequence: missense variant.
Genome position (GRCh38, 1-based): chr2:26,477,230, C>T on the plus strand (G>A on the coding strand, the complement: OTOF is on the minus strand). VCF-style: chr2-26477230-C-T. GRCh37 (hg19) VCF-style: chr2-26700098-C-T.
Other names: c.2465G>A, p.Arg822Gln (NM_001287489.2); c.224G>A, p.Arg75Gln (NM_004802.4, NM_194323.3); c.395G>A, p.Arg132Gln (NM_194322.3); short protein forms R822Q, R132Q, R75Q.
Identifiers: ClinVar variation 178512 (VCV000178512.10), dbSNP rs373681505, ClinGen allele CA182466.
Genomic context (GRCh38, chr2:26,477,230, plus strand): 5'-ACCTCGTCCGCCAGGAAGCGCAGCTTCTGCAGGAAGTTCTGGCACAGCCTCAGCTTGTCC[C>T]GCACCGTGTGCCGCTTCACCTGGGCCCGCAGCATCCTGGCCTGCTGCCCCATGTTTTCCT-3'
Protein context (NP_919224.1, residues 812-832): LRAQVKRHTV[Arg822Gln]DKLRLCQNFL

ClinVar aggregate classification (germline): Conflicting classifications of pathogenicity. Review status: criteria provided, conflicting classifications (1 of 4 stars). 2 submissions from 2 submitters: Uncertain significance (1); Likely benign (1). Last evaluated 2024-03-18.

Allele frequency attached by ClinVar (database versions not stated): gnomAD 0.00003; TOPMed 0.00003; ExAC 0.00008; ESP Exome Variant Server 0.00008; 1000 Genomes Project 30x 0.00031; 1000 Genomes Project 0.00040.
gnomAD v4.1: 80 of 1,610,058 alleles (0.005%); highest among the groups gnomAD compares: Middle Eastern, 0.05%; no homozygotes.

Submissions (2):

Labcorp Genetics (formerly Invitae), Labcorp
Classification: Likely benign. Last evaluated: 2024-03-18. Review status: criteria provided, single submitter. Criteria: Invitae Variant Classification Sherloc (09022015). Collection method: clinical testing. Allele origin: germline.

Laboratory for Molecular Medicine, Mass General Brigham Personalized Medicine
Classification: Uncertain significance. Last evaluated: 2017-08-25. Review status: criteria provided, single submitter. Criteria: LMM Criteria. Collection method: clinical testing. Allele origin: germline. Observed: 2 variant alleles.
Comment: It has been identified in 5/18638 of East Asian chro mosomes by the Genome Aggregation Database (gnomAD .org/; dbSNP rs373681505). Although this variant has been seen in the general po pulation, its frequency is not high enough to rule out a pathogenic role. Comput ational prediction tools and conservation analysis do not provide strong support for or against an impact to the protein. In summary, the clinical significance of the p.Arg822Gln variant is uncertain.